The following is an entry in ClinVar:

ClinVar aggregate classification (germline): Uncertain significance. Review status: criteria provided, multiple submitters, no conflicts (2 of 4 stars). 2 submissions from 2 submitters: Uncertain significance (2). Last evaluated 2022-08-21.

Conditions:
Hypertrophic cardiomyopathy. Also called: HYPERTROPHIC MYOCARDIOPATHY. Identifiers: Orphanet 217569, MedGen C0007194, MeSH D002312, MONDO:0005045, HP:0001639.

gnomAD v4.1: 4 of 1,614,172 alleles (0.00025%); highest among the groups gnomAD compares: Non-Finnish European, 0.00025%; no homozygotes.

Submissions (2):

Labcorp Genetics (formerly Invitae), Labcorp
Classification: Uncertain significance for Hypertrophic cardiomyopathy. Last evaluated: 2022-08-21. Review status: criteria provided, single submitter. Criteria: Invitae Variant Classification Sherloc (09022015). Collection method: clinical testing. Allele origin: germline.
Comment: In summary, the available evidence is currently insufficient to determine the role of this variant in disease. Therefore, it has been classified as a Variant of Uncertain Significance. Algorithms developed to predict the effect of missense changes on protein structure and function are either unavailable or do not agree on the potential impact of this missense change (SIFT: "Deleterious"; PolyPhen-2: "Benign"; Align-GVGD: "Class C55"). ClinVar contains an entry for this variant (Variation ID: 951969). This variant has not been reported in the literature in individuals affected with MYH7-related conditions. This variant is not present in population databases (gnomAD no frequency). This sequence change replaces serine, which is neutral and polar, with threonine, which is neutral and polar, at codon 612 of the MYH7 protein (p.Ser612Thr).

Breakthrough Genomics
Classification: Uncertain significance. Review status: criteria provided, single submitter. Criteria: ACMG Guidelines, 2015. Collection method: not provided. Allele origin: germline. Inheritance: Autosomal recessive inheritance. Affected: yes.

NM_000257.4(MYH7):c.1834T>A (p.Ser612Thr)

Gene: MYH7 (myosin heavy chain 7; minus strand). Cytogenetic location: 14q11.2.
Variant type: single nucleotide variant.
Coding change: c.1834T>A on transcript NM_000257.4 (MANE Select); coding-DNA position 1834, T replaced by A.
Protein change: p.Ser612Thr; replaces serine 612 with threonine.
Molecular consequence: missense variant.
Genome position (GRCh38, 1-based): chr14:23,427,639, A>T on the plus strand (T>A on the coding strand, the complement: MYH7 is on the minus strand). VCF-style: chr14-23427639-A-T. GRCh37 (hg19) VCF-style: chr14-23896848-A-T.
Other names: short protein forms S612T.
Identifiers: ClinVar variation 951969 (VCV000951969.9), dbSNP rs1005703927, ClinGen allele CA257822114.
Genomic context (GRCh38, chr14:23,427,639, plus strand): 5'-ACTTACGCGCATCAGCCCCAGCATAGTTGGCAAACAGGGTGCTGAGCAGCTTGAGGGAAG[A>T]CTTCTGATACAAGCCCACGACAGTCTCATTGAGAGGATCCTTGTTCTTCTGCAGCCAGCC-3'
Protein context (NP_000248.2, residues 602-622): NETVVGLYQK[Ser612Thr]SLKLLSTLFA